The following is an entry in ClinVar:

ClinVar aggregate classification (germline): Uncertain significance. Review status: criteria provided, multiple submitters, no conflicts (2 of 4 stars). 2 submissions from 2 submitters: Uncertain significance (2). Last evaluated 2022-10-01.

Conditions:
Peroxisome biogenesis disorder. Identifiers: Orphanet 79189, MedGen C1832200, MONDO:0019234. Disease mechanism: loss of function.

Allele frequency attached by ClinVar (database versions not stated): gnomAD exomes below 0.00001.
gnomAD v4.1: 3 of 1,613,872 alleles (0.00019%); highest among the groups gnomAD compares: Non-Finnish European, 0.00025%; no homozygotes.

Submissions (2):

CeGaT Center for Human Genetics Tuebingen
Classification: Uncertain significance. Last evaluated: 2022-10-01. Review status: criteria provided, single submitter. Criteria: CeGaT Center For Human Genetics Tuebingen Variant Classification Criteria Version 2. Collection method: clinical testing. Allele origin: germline. Affected: yes. Observed: 1 variant allele.
Comment: PEX6: PM2, BP4

Labcorp Genetics (formerly Invitae), Labcorp
Classification: Uncertain significance for Peroxisome biogenesis disorder. Last evaluated: 2021-08-31. Review status: criteria provided, single submitter. Criteria: Invitae Variant Classification Sherloc (09022015). Collection method: clinical testing. Allele origin: germline.
Comment: This sequence change replaces histidine with tyrosine at codon 486 of the PEX6 protein (p.His486Tyr). The histidine residue is weakly conserved and there is a moderate physicochemical difference between histidine and tyrosine. This variant is not present in population databases (ExAC no frequency). This variant has not been reported in the literature in individuals affected with PEX6-related conditions. Algorithms developed to predict the effect of missense changes on protein structure and function (SIFT, PolyPhen-2, Align-GVGD) all suggest that this variant is likely to be tolerated. In summary, the available evidence is currently insufficient to determine the role of this variant in disease. Therefore, it has been classified as a Variant of Uncertain Significance.

NM_000287.4(PEX6):c.1456C>T (p.His486Tyr)

Gene: PEX6 (peroxisomal biogenesis factor 6; minus strand). Cytogenetic location: 6p21.1.
Variant type: single nucleotide variant.
Coding change: c.1456C>T on transcript NM_000287.4 (MANE Select); coding-DNA position 1456, C replaced by T.
Protein change: p.His486Tyr; replaces histidine 486 with tyrosine.
Molecular consequence: missense variant. On other transcripts: non-coding transcript variant (1).
Genome position (GRCh38, 1-based): chr6:42,968,897, G>A on the plus strand (C>T on the coding strand, the complement: PEX6 is on the minus strand). VCF-style: chr6-42968897-G-A. GRCh37 (hg19) VCF-style: chr6-42936635-G-A.
Other names: c.1192C>T, p.His398Tyr (NM_001316313.2); short protein forms H398Y, H486Y.
Identifiers: ClinVar variation 955727 (VCV000955727.29), dbSNP rs1320010518, ClinGen allele CA364155213.
Genomic context (GRCh38, chr6:42,968,897, plus strand): 5'-GGAAGTAGCTGGGGTTCTACTCTCCAGAGACCCTCACCTTCAGTAAGTGGAGCCCAAGGT[G>A]ACTACAGGCAGCAGCAACTACTGTGGTCTTCCCACAGCCTGGGGGGCCCCGTAGAAGGAC-3'
Protein context (NP_000278.3, residues 476-496): KTTVVAAACS[His486Tyr]LGLHLLKVPC